The following is an entry in ClinVar:

NM_015331.3(NCSTN):c.715A>C (p.Thr239Pro)

Gene: NCSTN (nicastrin; plus strand). Cytogenetic location: 1q23.2.
Variant type: single nucleotide variant.
Coding change: c.715A>C on transcript NM_015331.3 (MANE Select); coding-DNA position 715, A replaced by C.
Protein change: p.Thr239Pro; replaces threonine 239 with proline.
Molecular consequence: missense variant. On other transcripts: intron variant (1).
Genome position (GRCh38, 1-based): chr1:160,351,354, A>C. VCF-style: chr1-160351354-A-C. GRCh37 (hg19) VCF-style: chr1-160321144-A-C.
Other names: c.655A>C, p.Thr219Pro (NM_001290184.2); c.715A>C, p.Thr239Pro (NM_001349729.2); c.582+1104A>C (NM_001290186.2); short protein forms T219P, T239P.
Identifiers: ClinVar variation 2639502 (VCV002639502.24), dbSNP rs1648829559, ClinGen allele CA343278832.

ClinVar aggregate classification (germline): Uncertain significance (1 of 4 stars; one submission).

Allele frequency attached by ClinVar (database versions not stated): TOPMed below 0.00001.

Submission:

CeGaT Center for Human Genetics Tuebingen
Classification: Uncertain significance. Last evaluated: 2022-06-01. Review status: criteria provided, single submitter. Criteria: CeGaT Center For Human Genetics Tuebingen Variant Classification Criteria Version 2. Collection method: clinical testing. Allele origin: germline. Affected: yes. Observed: 1 variant allele.
Comment: NCSTN: PM2, BP4